The following is an entry in ClinVar:

ClinVar aggregate classification (germline): Uncertain significance (1 of 4 stars; one submission).

Conditions:
NPHP1-related disorder. Also called: NPHP1-related condition; NPHP1-related disorders.

Submission:

PreventionGenetics, part of Exact Sciences
Classification: Uncertain significance for NPHP1-related condition. Last evaluated: 2025-11-03. Review status: criteria provided, single submitter. Criteria: ACMG Guidelines, 2015. Collection method: clinical testing. Allele origin: germline.
Comment: The NPHP1 c.256C>A variant is predicted to result in the amino acid substitution p.His86Asn. To our knowledge, this variant has not been reported in the literature or in a large population database (gnomAD), indicating this variant is rare. At this time, the clinical significance of this variant is uncertain due to the absence of conclusive functional and genetic evidence.

NM_001128178.3(NPHP1):c.256C>A (p.His86Asn)

Gene: NPHP1 (nephrocystin 1; minus strand). Cytogenetic location: 2q13.
Variant type: single nucleotide variant.
Coding change: c.256C>A on transcript NM_001128178.3 (MANE Select); coding-DNA position 256, C replaced by A.
Protein change: p.His86Asn; replaces histidine 86 with asparagine.
Molecular consequence: missense variant. On other transcripts: intron variant (1).
Genome position (GRCh38, 1-based): chr2:110,178,496, G>T on the plus strand (C>A on the coding strand, the complement: NPHP1 is on the minus strand). VCF-style: chr2-110178496-G-T. GRCh37 (hg19) VCF-style: chr2-110936073-G-T.
Other names: c.256C>A, p.His86Asn (NM_000272.5, NM_001374256.1, NM_001374257.1 and 1 more transcripts); c.144-8498C>A (NM_001128179.3); short protein forms H86N.
Identifiers: ClinVar variation 4992628 (VCV004992628.1).